The following is an entry in ClinVar:

NM_001844.5(COL2A1):c.2095-1G>A

Gene: COL2A1 (collagen type II alpha 1 chain; minus strand). Cytogenetic location: 12q13.11.
Variant type: single nucleotide variant.
Coding change: c.2095-1G>A on transcript NM_001844.5 (MANE Select); the canonical splice acceptor site of the intron before coding-DNA position 2095, G replaced by A.
Molecular consequence: splice acceptor variant.
Genome position (GRCh38, 1-based): chr12:47,982,947, C>T on the plus strand (G>A on the coding strand, the complement: COL2A1 is on the minus strand). VCF-style: chr12-47982947-C-T. GRCh37 (hg19) VCF-style: chr12-48376730-C-T.
Other names: c.1888-1G>A (NM_033150.3).
Identifiers: ClinVar variation 2921052 (VCV002921052.3), dbSNP rs2540136240, ClinGen allele CA384547297.
Genomic context (GRCh38, chr12:47,982,947, plus strand): 5'-GGGACCCTGGAGGCCCTGGGCACCGGGAGAGCCACGTTCACCTGGGAAACCTCGTTCACC[C>T]TGCGGCAGAGACACCAAGAAGTGATCAACCAACAGCAGTGGGGGAGAAGGTCCAGGGAGA-3'

ClinVar aggregate classification (germline): Pathogenic/Likely pathogenic. Review status: criteria provided, multiple submitters, no conflicts (2 of 4 stars). 3 submissions from 3 submitters: Pathogenic (2); Likely pathogenic (1). Last evaluated 2025-10-26.

Submissions (3):

Labcorp Genetics (formerly Invitae), Labcorp
Classification: Pathogenic. Last evaluated: 2025-10-26. Review status: criteria provided, single submitter. Criteria: Invitae Variant Classification Sherloc (09022015). Collection method: clinical testing. Allele origin: germline.
Comment: This sequence change affects an acceptor splice site in intron 32 of the COL2A1 gene. It is expected to disrupt RNA splicing. Variants that disrupt the donor or acceptor splice site typically lead to a loss of protein function (PMID: 16199547), and loss-of-function variants in COL2A1 are known to be pathogenic (PMID: 20179744). This variant is not present in population databases (gnomAD no frequency). Disruption of this splice site has been observed in individual(s) with Stickler syndrome (PMID: 20179744; internal data). ClinVar contains an entry for this variant (Variation ID: 2921052). Algorithms developed to predict the effect of sequence changes on RNA splicing suggest that this variant may disrupt the consensus splice site. For these reasons, this variant has been classified as Pathogenic.

GeneDx
Classification: Pathogenic. Last evaluated: 2023-12-26. Review status: criteria provided, single submitter. Criteria: GeneDx Variant Classification Process June 2021. Collection method: clinical testing. Allele origin: germline. Affected: yes.
Comment: Damages or destroys the splice acceptor site in intron 32, and is expected to cause abnormal gene splicing; if the splice outcome is exon skip, the loss of the encoded residues in the triple helical region is expected to disrupt normal protein folding and function, and this is an established mechanism of disease (HGMD); Not observed at significant frequency in large population cohorts (gnomAD); This variant is associated with the following publications: (PMID: 25525159, 20179744)

ARUP Laboratories, Molecular Genetics and Genomics, ARUP Laboratories
Classification: Likely pathogenic. Last evaluated: 2023-09-14. Review status: criteria provided, single submitter. Criteria: ARUP Molecular Germline Variant Investigation Process 2024. Collection method: clinical testing. Allele origin: germline.
Comment: The COL2A1 c.2095-1G>A variant is reported in the literature in an individual affected with Stickler syndrome (Hoornaert 2010). This variant is absent from the Genome Aggregation Database, indicating it is not a common polymorphism. This variant disrupts the canonical splice acceptor site of intron 32, which is likely to negatively impact gene function. Based on available information, this variant is considered to be likely pathogenic. References: Hoornaert KP et al. Stickler syndrome caused by COL2A1 mutations: genotype-phenotype correlation in a series of 100 patients. Eur J Hum Genet. 2010 Aug;18(8):872-80. Erratum in: Eur J Hum Genet. 2010 Aug;18(8):881. PMID: 20179744.

Literature cited by the submitters: PubMed 16199547 (cited by Labcorp Genetics (formerly Invitae), Labcorp); PubMed 20179744 (cited by Labcorp Genetics (formerly Invitae), Labcorp).